The following is an entry in ClinVar:

ClinVar aggregate classification (germline): Pathogenic (1 of 4 stars; one submission).

Conditions:
Fanconi anemia (FA). Also called: Fanconi's anemia. Identifiers: Orphanet 84, MedGen C0015625, MeSH D005199, MONDO:0019391.

Submission:

Labcorp Genetics (formerly Invitae), Labcorp
Classification: Pathogenic for Fanconi anemia. Last evaluated: 2023-11-24. Review status: criteria provided, single submitter. Criteria: Invitae Variant Classification Sherloc (09022015). Collection method: clinical testing. Allele origin: unknown.
Comment: This variant is a gross deletion of the genomic region encompassing exon(s) 8-26 of the FANCA gene. This deletion is out-of-frame, and is expected to create a premature termination codon and result in an absent or disrupted protein product. Loss-of-function variants in FANCA are known to be pathogenic (PMID: 19367192). This variant has not been reported in the literature in individuals affected with FANCA-related conditions. For these reasons, this variant has been classified as Pathogenic.

Literature cited by the submitters: PubMed 19367192.

NC_000016.9:g.(?_89836225)_(89869769_?)del

Gene: FANCA (FA complementation group A; minus strand). Cytogenetic location: 16q24.3.
Variant type: Deletion.
Identifiers: ClinVar variation 3243285 (VCV003243285.1).